The following is an entry in ClinVar:

ClinVar aggregate classification (germline): Likely benign. Review status: criteria provided, multiple submitters, no conflicts (2 of 4 stars). 3 submissions from 3 submitters: Likely benign (3). Last evaluated 2026-02-19.

Conditions:
PDE6B-related disorder. Also called: PDE6B-related disease; PDE6B-related condition; PDE6B-related disorders.

gnomAD v4.1: 65 of 1,601,862 alleles (0.0041%); highest among the groups gnomAD compares: South Asian, 0.067%; no homozygotes.

Submissions (3):

PreventionGenetics, part of Exact Sciences
Classification: Likely benign for PDE6B-related condition. Last evaluated: 2026-02-19. Review status: criteria provided, single submitter. Criteria: ACMG Guidelines, 2015. Collection method: clinical testing. Allele origin: germline.
Comment: This variant is classified as likely benign based on ACMG/AMP sequence variant interpretation guidelines (Richards et al. 2015 PMID: 25741868, with internal and published modifications).

Labcorp Genetics (formerly Invitae), Labcorp
Classification: Likely benign. Last evaluated: 2025-04-17. Review status: criteria provided, single submitter. Criteria: Invitae Variant Classification Sherloc (09022015). Collection method: clinical testing. Allele origin: germline.

Blueprint Genetics
Classification: Likely benign. Last evaluated: 2024-01-09. Review status: criteria provided, single submitter. Criteria: ACMG Guidelines, 2015. Collection method: clinical testing. Allele origin: germline.

NM_000283.4(PDE6B):c.1824C>T (p.Tyr608=)

Gene: PDE6B (phosphodiesterase 6B; plus strand). Cytogenetic location: 4p16.3.
Variant type: single nucleotide variant.
Coding change: c.1824C>T on transcript NM_000283.4 (MANE Select); coding-DNA position 1824, C replaced by T.
Protein change: p.Tyr608=; no amino-acid change (tyrosine 608 retained).
Molecular consequence: synonymous variant.
Genome position (GRCh38, 1-based): chr4:662,610, C>T. VCF-style: chr4-662610-C-T. GRCh37 (hg19) VCF-style: chr4-656399-C-T.
Other names: c.1824C>T (NM_000283.3); c.1824C>T, p.Tyr608= (NM_001145291.2, NM_001440547.1, NM_001440548.1); c.987C>T, p.Tyr329= (NM_001145292.2, NM_001350154.3, NM_001379246.1 and 1 more transcripts); c.669C>T, p.Tyr223= (NM_001350155.3).
Identifiers: ClinVar variation 4760436 (VCV004760436.3).